The following is an entry in ClinVar:

NM_000142.5(FGFR3):c.1953= (p.Thr651=)

Gene: FGFR3 (fibroblast growth factor receptor 3; plus strand). Cytogenetic location: 4p16.3.
Variant type: single nucleotide variant.
Coding change: c.1953= on transcript NM_000142.5 (MANE Select); coding-DNA position 1953, no change from the reference sequence.
Protein change: p.Thr651=; no amino-acid change (threonine 651 retained).
Molecular consequence: no sequence alteration. On other transcripts: non-coding transcript variant (1).
Genome position: GRCh38 VCF-style: chr4-1806167-G-G. GRCh37 (hg19) VCF-style: chr4-1807894-G-G.
Other names: c.1959=, p.Thr653= (NM_001163213.2); c.1956=, p.Thr652= (NM_001354809.2, NM_001354810.2); c.1617=, p.Thr539= (NM_022965.4).
Identifiers: ClinVar variation 379642 (VCV000379642.12), dbSNP rs7688609.

ClinVar aggregate classification (germline): Benign/Likely benign. Review status: criteria provided, multiple submitters, no conflicts (2 of 4 stars). 2 submissions from 2 submitters: Benign (1); Likely benign (1). Last evaluated 2026-02-01.

Allele frequency attached by ClinVar (database versions not stated): ExAC 0.01269; gnomAD exomes 0.00383 and 0.01028; gnomAD 0.04011 and 0.04271; 1000 Genomes Project 0.04393; 1000 Genomes Project 30x 0.04419; ESP Exome Variant Server 0.04492; TOPMed 0.04616.

Submissions (2):

Labcorp Genetics (formerly Invitae), Labcorp
Classification: Likely benign. Last evaluated: 2026-02-01. Review status: criteria provided, single submitter. Criteria: Invitae Variant Classification Sherloc (09022015). Collection method: clinical testing. Allele origin: germline.

GeneDx
Classification: Benign. Last evaluated: 2016-06-07. Review status: criteria provided, single submitter. Criteria: GeneDx Variant Classification (06012015). Collection method: clinical testing. Allele origin: germline. Affected: yes.
Comment: This variant is considered likely benign or benign based on one or more of the following criteria: it is a conservative change, it occurs at a poorly conserved position in the protein, it is predicted to be benign by multiple in silico algorithms, and/or has population frequency not consistent with disease.